The following is an entry in ClinVar:

ClinVar aggregate classification (germline): Uncertain significance. Review status: criteria provided, multiple submitters, no conflicts (2 of 4 stars). 4 submissions from 4 submitters: Uncertain significance (4). Last evaluated 2026-05-14.

Conditions:
PDZD7-related disorder. Also called: PDZD7-related condition; PDZD7-related disorders.

Allele frequency attached by ClinVar (database versions not stated): gnomAD 0.00004; 1000 Genomes Project 30x 0.00016; gnomAD exomes 0.00001; TOPMed 0.00001; 1000 Genomes Project 0.00020.
gnomAD v4.1: 30 of 1,550,636 alleles (0.0019%); highest among the groups gnomAD compares: East Asian, 0.0049%; no homozygotes.

Submissions (4):

PreventionGenetics, part of Exact Sciences
Classification: Uncertain significance for PDZD7-related condition. Last evaluated: 2026-05-14. Review status: criteria provided, single submitter. Criteria: ACMG Guidelines, 2015. Collection method: clinical testing. Allele origin: germline.
Comment: The PDZD7 c.1531G>A variant is predicted to result in the amino acid substitution p.Val511Met. To our knowledge, this variant has not been reported in the literature. This variant is reported in 0.0071% of alleles in individuals of European (Non-Finnish) descent in gnomAD. At this time, the clinical significance of this variant is uncertain due to the absence of conclusive functional and genetic evidence.

GeneDx
Classification: Uncertain significance. Last evaluated: 2025-04-24. Review status: criteria provided, single submitter. Criteria: GeneDx Variant Classification Process June 2021. Collection method: clinical testing. Allele origin: germline.
Comment: In silico analysis indicates that this missense variant does not alter protein structure/function; Has not been previously published as pathogenic or benign to our knowledge

Labcorp Genetics (formerly Invitae), Labcorp
Classification: Uncertain significance. Last evaluated: 2024-10-08. Review status: criteria provided, single submitter. Criteria: Invitae Variant Classification Sherloc (09022015). Collection method: clinical testing. Allele origin: germline.
Comment: This sequence change replaces valine, which is neutral and non-polar, with methionine, which is neutral and non-polar, at codon 511 of the PDZD7 protein (p.Val511Met). This variant is present in population databases (rs141289018, gnomAD 0.007%). This variant has not been reported in the literature in individuals affected with PDZD7-related conditions. ClinVar contains an entry for this variant (Variation ID: 1056859). Invitae Evidence Modeling of protein sequence and biophysical properties (such as structural, functional, and spatial information, amino acid conservation, physicochemical variation, residue mobility, and thermodynamic stability) indicates that this missense variant is not expected to disrupt PDZD7 protein function with a negative predictive value of 80%. In summary, the available evidence is currently insufficient to determine the role of this variant in disease. Therefore, it has been classified as a Variant of Uncertain Significance.

Blueprint Genetics
Classification: Uncertain significance. Last evaluated: 2024-03-04. Review status: criteria provided, single submitter. Criteria: ACMG Guidelines, 2015. Collection method: clinical testing. Allele origin: germline.

NM_001195263.2(PDZD7):c.1531G>A (p.Val511Met)

Gene: PDZD7 (PDZ domain containing 7; minus strand). Cytogenetic location: 10q24.31.
Variant type: single nucleotide variant.
Coding change: c.1531G>A on transcript NM_001195263.2 (MANE Select); coding-DNA position 1531, G replaced by A.
Protein change: p.Val511Met; replaces valine 511 with methionine.
Molecular consequence: missense variant.
Genome position (GRCh38, 1-based): chr10:101,016,419, C>T on the plus strand (G>A on the coding strand, the complement: PDZD7 is on the minus strand). VCF-style: chr10-101016419-C-T. GRCh37 (hg19) VCF-style: chr10-102776176-C-T.
Other names: c.1531G>A (NM_001195263.1); short protein forms V511M.
Identifiers: ClinVar variation 1056859 (VCV001056859.8), dbSNP rs141289018, ClinGen allele CA212982308.
Genomic context (GRCh38, chr10:101,016,419, plus strand): 5'-AAGGGATGCATGAATTACCACGTCTCAGTCTCCAGGTGACAAACTTCTGTACCGGGCCCA[C>T]GCCCCCTGCTATGAAGAAGAAAGAGGCTCAGCTGCAGGCCTTGGCCCCCAGTCTGAAAAT-3'
Protein context (NP_001182192.1, residues 501-521): PRLDIEKAGG[Val511Met]GPVQKFVTWR